The following is an entry in ClinVar:

NM_153704.6(TMEM67):c.1352G>A (p.Arg451Gln)

Gene: TMEM67 (transmembrane protein 67; plus strand). Cytogenetic location: 8q22.1.
Variant type: single nucleotide variant.
Coding change: c.1352G>A on transcript NM_153704.6 (MANE Select); coding-DNA position 1352, G replaced by A.
Protein change: p.Arg451Gln; replaces arginine 451 with glutamine.
Molecular consequence: missense variant. On other transcripts: non-coding transcript variant (1).
Genome position (GRCh38, 1-based): chr8:93,786,286, G>A. VCF-style: chr8-93786286-G-A. GRCh37 (hg19) VCF-style: chr8-94798514-G-A.
Other names: c.1352G>A (NM_153704.5); c.1109G>A, p.Arg370Gln (NM_001142301.1); short protein forms R451Q, R370Q.
Identifiers: ClinVar variation 1416234 (VCV001416234.5), dbSNP rs75165625, ClinGen allele CA4807935.
Genomic context (GRCh38, chr8:93,786,286, plus strand): 5'-GCAACTCTGGAAAGTGGCTTCTAACTCGGCGCATTTTCTTAGTGGATGCAGTAAGTGGAC[G>A]AGAAAATGACTTAGGAACTCAGCCAAGAGTAATTCGAGTTGCTACTCAAATATCACTGAG-3'
Protein context (NP_714915.3, residues 441-461): RIFLVDAVSG[Arg451Gln]ENDLGTQPRV

ClinVar aggregate classification (germline): Uncertain significance. Review status: criteria provided, multiple submitters, no conflicts (2 of 4 stars). 2 submissions from 2 submitters: Uncertain significance (2). Last evaluated 2025-11-06.

Conditions:
TMEM67-related disorder. Also called: TMEM67-related disorders; TMEM67-related condition. Identifiers: MedGen CN239423.
Meckel-Gruber syndrome. Also called: DYSENCEPHALIA SPLANCHNOCYSTICA; GRUBER SYNDROME; Dysencephalia splachnocystica. Identifiers: Orphanet 564, MedGen C0265215, MONDO:0018921.
Joubert syndrome. Also called: JOUBERT-BOLTSHAUSER SYNDROME; Familial aplasia of the vermis. Identifiers: Orphanet 475, MedGen C5979921, MONDO:0018772.

Allele frequency attached by ClinVar (database versions not stated): TOPMed 0.00003; gnomAD 0.00004 and 0.00005; ExAC 0.00005; gnomAD exomes 0.00005 and 0.00007.
gnomAD v4.1: 104 of 1,613,826 alleles (0.0064%); highest among the groups gnomAD compares: South Asian, 0.0099%; no homozygotes.

Submissions (2):

PreventionGenetics, part of Exact Sciences
Classification: Uncertain significance for TMEM67-related condition. Last evaluated: 2025-11-06. Review status: criteria provided, single submitter. Criteria: ACMG Guidelines, 2015. Collection method: clinical testing. Allele origin: germline.
Comment: The TMEM67 c.1352G>A variant is predicted to result in the amino acid substitution p.Arg451Gln. To our knowledge, this variant has not been reported in the literature. This variant is reported in 0.013% of alleles in individuals of South Asian descent in gnomAD. At this time, the clinical significance of this variant is uncertain due to the absence of conclusive functional and genetic evidence.

Labcorp Genetics (formerly Invitae), Labcorp
Classification: Uncertain significance for Joubert syndrome; Meckel-Gruber syndrome. Last evaluated: 2023-09-30. Review status: criteria provided, single submitter. Criteria: Invitae Variant Classification Sherloc (09022015). Collection method: clinical testing. Allele origin: germline.
Comment: In summary, the available evidence is currently insufficient to determine the role of this variant in disease. Therefore, it has been classified as a Variant of Uncertain Significance. Advanced modeling of protein sequence and biophysical properties (such as structural, functional, and spatial information, amino acid conservation, physicochemical variation, residue mobility, and thermodynamic stability) performed at Invitae indicates that this missense variant is expected to disrupt TMEM67 protein function. ClinVar contains an entry for this variant (Variation ID: 1416234). This variant has not been reported in the literature in individuals affected with TMEM67-related conditions. This variant is present in population databases (no rsID available, gnomAD 0.01%). This sequence change replaces arginine, which is basic and polar, with glutamine, which is neutral and polar, at codon 451 of the TMEM67 protein (p.Arg451Gln).